The following is an entry in ClinVar:

ClinVar aggregate classification (germline): Uncertain significance. Review status: criteria provided, multiple submitters, no conflicts (2 of 4 stars). 2 submissions from 2 submitters: Uncertain significance (2). Last evaluated 2024-01-21.

Conditions:
Mosaic variegated aneuploidy syndrome 1 (MVA1). Also called: Warburton-Anyane-Yeboa syndrome. Identifiers: Orphanet 1052, MedGen C1850343, MONDO:0009759, OMIM 257300.
Inborn genetic diseases. Identifiers: MedGen C0950123, MeSH D030342.

gnomAD v4.1: 1 of 1,614,186 alleles (0.000062%); highest among the groups gnomAD compares: Non-Finnish European, 0.000085%; no homozygotes.

Submissions (2):

Ambry Genetics
Classification: Uncertain significance for Inborn genetic diseases. Last evaluated: 2024-01-21. Review status: criteria provided, single submitter. Criteria: Ambry Variant Classification Scheme 2023. Collection method: clinical testing. Allele origin: germline.
Comment: The p.M266R variant (also known as c.797T>G), located in coding exon 7 of the BUB1B gene, results from a T to G substitution at nucleotide position 797. The methionine at codon 266 is replaced by arginine, an amino acid with similar properties. This amino acid position is conserved. In addition, this alteration is predicted to be tolerated by in silico analysis. Since supporting evidence is limited at this time, the clinical significance of this alteration remains unclear.

Labcorp Genetics (formerly Invitae), Labcorp
Classification: Uncertain significance for Mosaic variegated aneuploidy syndrome 1. Last evaluated: 2023-10-28. Review status: criteria provided, single submitter. Criteria: Invitae Variant Classification Sherloc (09022015). Collection method: clinical testing. Allele origin: germline.
Comment: This sequence change replaces methionine, which is neutral and non-polar, with arginine, which is basic and polar, at codon 266 of the BUB1B protein (p.Met266Arg). This variant is not present in population databases (gnomAD no frequency). This variant has not been reported in the literature in individuals affected with BUB1B-related conditions. ClinVar contains an entry for this variant (Variation ID: 1387840). Algorithms developed to predict the effect of missense changes on protein structure and function output the following: SIFT: "Not Available"; PolyPhen-2: "Benign"; Align-GVGD: "Not Available". The arginine amino acid residue is found in multiple mammalian species, which suggests that this missense change does not adversely affect protein function. In summary, the available evidence is currently insufficient to determine the role of this variant in disease. Therefore, it has been classified as a Variant of Uncertain Significance.

NM_001211.6(BUB1B):c.797T>G (p.Met266Arg)

Gene: BUB1B (BUB1 mitotic checkpoint serine/threonine kinase B; plus strand). Cytogenetic location: 15q15.1.
Variant type: single nucleotide variant.
Coding change: c.797T>G on transcript NM_001211.6 (MANE Select); coding-DNA position 797, T replaced by G.
Protein change: p.Met266Arg; replaces methionine 266 with arginine.
Molecular consequence: missense variant.
Genome position (GRCh38, 1-based): chr15:40,185,210, T>G. VCF-style: chr15-40185210-T-G. GRCh37 (hg19) VCF-style: chr15-40477411-T-G.
Other names: short protein forms M266R.
Identifiers: ClinVar variation 1387840 (VCV001387840.10), dbSNP rs745796231, ClinGen allele CA268783524.
Genomic context (GRCh38, chr15:40,185,210, plus strand): 5'-TATTTTTGCTCCTAGCTCCAAGCCAGAACAGAGGACTCCAAAATCCATTTCCTCAACAGA[T>G]GCAAAATAATAGTAGAATTACTGTTTTTGATGAAAATGCTGATGAGGCTTCTACAGCAGA-3'
Protein context (NP_001202.5, residues 256-276): RGLQNPFPQQ[Met266Arg]QNNSRITVFD